The following is an entry in ClinVar:

ClinVar aggregate classification (germline): Uncertain significance (1 of 4 stars; one submission).

gnomAD v4.1: 2 of 1,612,898 alleles (0.00012%); no homozygotes.

Submission:

Labcorp Genetics (formerly Invitae), Labcorp
Classification: Uncertain significance. Last evaluated: 2023-01-24. Review status: criteria provided, single submitter. Criteria: Invitae Variant Classification Sherloc (09022015). Collection method: clinical testing. Allele origin: germline.
Comment: In summary, the available evidence is currently insufficient to determine the role of this variant in disease. Therefore, it has been classified as a Variant of Uncertain Significance. Variants that disrupt the consensus splice site are a relatively common cause of aberrant splicing (PMID: 17576681, 9536098). Algorithms developed to predict the effect of sequence changes on RNA splicing suggest that this variant is not likely to affect RNA splicing. This variant has not been reported in the literature in individuals affected with PNLIP-related conditions. This variant is not present in population databases (gnomAD no frequency). This sequence change falls in intron 4 of the PNLIP gene. It does not directly change the encoded amino acid sequence of the PNLIP protein. It affects a nucleotide within the consensus splice site.

Literature cited by the submitters: PubMed 17576681; PubMed 9536098.

NM_000936.4(PNLIP):c.324+6A>T

Gene: PNLIP (pancreatic lipase; plus strand). Cytogenetic location: 10q25.3.
Variant type: single nucleotide variant.
Coding change: c.324+6A>T on transcript NM_000936.4 (MANE Select); 6 bases into the intron after coding-DNA position 324, A replaced by T.
Molecular consequence: intron variant.
Genome position (GRCh38, 1-based): chr10:116,548,488, A>T. VCF-style: chr10-116548488-A-T. GRCh37 (hg19) VCF-style: chr10-118308000-A-T.
Identifiers: ClinVar variation 2782189 (VCV002782189.1), dbSNP rs2493045375, ClinGen allele CA2611046634.
Genomic context (GRCh38, chr10:116,548,488, plus strand): 5'-TATTCATGGATTCATAGACAAGGGAGAAGAAAACTGGCTGGCCAATGTGTGCAAGGTGAG[A>T]TGTGGTCATCTCTCAAGGAAAGATCGTTTCCAAAGTGGTAATTAACAAACGGTAAGGCAC-3'